The following is an entry in ClinVar:

ClinVar aggregate classification (germline): Uncertain significance (1 of 4 stars; one submission).

Submission:

GeneDx
Classification: Uncertain significance. Last evaluated: 2024-05-23. Review status: criteria provided, single submitter. Criteria: GeneDx Variant Classification Process June 2021. Collection method: clinical testing. Allele origin: germline. Affected: yes.
Comment: Not observed at significant frequency in large population cohorts (gnomAD); In silico analysis indicates that this variant does not alter splicing; Has not been previously published as pathogenic or benign to our knowledge

NM_004046.6(ATP5F1A):c.798A>T (p.Ala266=)

Gene: ATP5F1A (ATP synthase F1 subunit alpha; minus strand). Cytogenetic location: 18q21.1.
Variant type: single nucleotide variant.
Coding change: c.798A>T on transcript NM_004046.6 (MANE Select); coding-DNA position 798, A replaced by T.
Protein change: p.Ala266=; no amino-acid change (alanine 266 retained).
Molecular consequence: synonymous variant.
Genome position (GRCh38, 1-based): chr18:46,088,110, T>A on the plus strand (A>T on the coding strand, the complement: ATP5F1A is on the minus strand). VCF-style: chr18-46088110-T-A. GRCh37 (hg19) VCF-style: chr18-43668076-T-A.
Other names: c.648A>T, p.Ala216= (NM_001001935.3, NM_001257335.2); c.798A>T, p.Ala266= (NM_001001937.2); c.732A>T, p.Ala244= (NM_001257334.2).
Identifiers: ClinVar variation 3381291 (VCV003381291.1).
Genomic context (GRCh38, chr18:46,088,110, plus strand): 5'-TACAATCAGCAGCAATGGGACTTAAGATAATAGCAATGGGACTAAATTTCTTTTAATACC[T>A]GCATCTGTAAGTCTCTTCACCAACTGGGCAACAGTGGATCTCTTTTGACCAATAGCAACA-3'
Protein context (NP_004037.1, residues 256-276): VAQLVKRLTD[Ala266=]DAMKYTIVVS